The following is an entry in ClinVar:

ClinVar aggregate classification (germline): Likely benign (1 of 4 stars; one submission).

Allele frequency attached by ClinVar (database versions not stated): gnomAD 0.00003; ExAC 0.00004; gnomAD exomes 0.00004; TOPMed 0.00004.
gnomAD v4.1: 61 of 1,613,932 alleles (0.0038%); highest among the groups gnomAD compares: Non-Finnish European, 0.005%; no homozygotes.

Submission:

CeGaT Center for Human Genetics Tuebingen
Classification: Likely benign. Last evaluated: 2024-02-01. Review status: criteria provided, single submitter. Criteria: CeGaT Center For Human Genetics Tuebingen Variant Classification Criteria Version 2. Collection method: clinical testing. Allele origin: germline. Affected: yes. Observed: 1 variant allele.
Comment: CHEK1: BP4, BP7

NM_001114122.3(CHEK1):c.1200G>A (p.Leu400=)

Gene: CHEK1 (checkpoint kinase 1; plus strand). Cytogenetic location: 11q24.2.
Variant type: single nucleotide variant.
Coding change: c.1200G>A on transcript NM_001114122.3 (MANE Select); coding-DNA position 1200, G replaced by A.
Protein change: p.Leu400=; no amino-acid change (leucine 400 retained).
Molecular consequence: synonymous variant. On other transcripts: non-coding transcript variant (2).
Genome position (GRCh38, 1-based): chr11:125,644,610, G>A. VCF-style: chr11-125644610-G-A. GRCh37 (hg19) VCF-style: chr11-125514505-G-A.
Other names: c.1200G>A, p.Leu400= (NM_001114121.2, NM_001244846.1, NM_001274.5); c.897G>A, p.Leu299= (NM_001330427.2); c.918G>A, p.Leu306= (NM_001330428.1).
Identifiers: ClinVar variation 3025300 (VCV003025300.22), dbSNP rs770237718, ClinGen allele CA6349619.
Genomic context (GRCh38, chr11:125,644,610, plus strand): 5'-CTTTACCAAATTGGATGCAGACAAATCTTATCAATGCCTGAAAGAGACTTGTGAGAAGTT[G>A]GGCTATCAATGGAAGAAAAGTTGTATGAATCAGGTGTGTTTCATTGATTTTCATTATACC-3'
Protein context (NP_001107594.1, residues 390-410): YQCLKETCEK[Leu400=]GYQWKKSCMN